The following is an entry in ClinVar:

NM_012210.4(TRIM32):c.1619G>A (p.Arg540Gln)

Genes: ASTN2 (astrotactin 2; minus strand), TRIM32 (tripartite motif containing 32; plus strand). Cytogenetic location: 9q33.1.
Variant type: single nucleotide variant.
Coding change: c.1619G>A on transcript NM_012210.4 (MANE Select); coding-DNA position 1619, G replaced by A.
Protein change: p.Arg540Gln; replaces arginine 540 with glutamine.
Molecular consequence: missense variant. On other transcripts: intron variant (3).
Genome position (GRCh38, 1-based): chr9:116,699,361, G>A. VCF-style: chr9-116699361-G-A. GRCh37 (hg19) VCF-style: chr9-119461640-G-A.
Other names: c.1619G>A, p.Arg540Gln (NM_001099679.2, NM_001379048.1, NM_001379049.1 and 1 more transcripts); c.2653+26410C>T (NM_014010.5); c.2794+26410C>T (NM_001365069.1); c.2806+26410C>T (NM_001365068.1); short protein forms R540Q.
Identifiers: ClinVar variation 569891 (VCV000569891.12), dbSNP rs761503419, ClinGen allele CA5211182.

ClinVar aggregate classification (germline): Uncertain significance. Review status: criteria provided, multiple submitters, no conflicts (2 of 4 stars). 3 submissions from 3 submitters: Uncertain significance (3). Last evaluated 2024-12-26.

Conditions:
TRIM32-related disorder. Also called: TRIM32-related condition.
Sarcotubular myopathy (LGMDR8). Also called: Autosomal recessive limb-girdle muscular dystrophy type 2H; MUSCULAR DYSTROPHY, LIMB-GIRDLE, AUTOSOMAL RECESSIVE 8; Hutterite type of muscular dystrophy; Limb-girdle muscular dystrophy, type 2H. Identifiers: Orphanet 1878, MedGen C0270968, MONDO:0009683, OMIM 254110.
Bardet-Biedl syndrome 11 (BBS11). Identifiers: Orphanet 110, MedGen C1859569, MONDO:0014439, OMIM 615988.
Bardet-Biedl syndrome (BBS). Identifiers: Orphanet 110, MedGen C0752166, MONDO:0015229.

Allele frequency attached by ClinVar (database versions not stated): gnomAD 0.00001; TOPMed 0.00001; ExAC 0.00002; gnomAD exomes 0.00002.
gnomAD v4.1: 10 of 1,614,030 alleles (0.00062%); highest among the groups gnomAD compares: Admixed American, 0.0033%; no homozygotes.

Submissions (3):

PreventionGenetics, part of Exact Sciences
Classification: Uncertain significance for TRIM32-related condition. Last evaluated: 2024-12-26. Review status: criteria provided, single submitter. Criteria: ACMG Guidelines, 2015. Collection method: clinical testing. Allele origin: germline.
Comment: The TRIM32 c.1619G>A variant is predicted to result in the amino acid substitution p.Arg540Gln. To our knowledge, this variant has not been reported in the literature. This variant is reported in 0.0058% of alleles in individuals of Latino descent in gnomAD. At this time, the clinical significance of this variant is uncertain due to the absence of conclusive functional and genetic evidence.

Labcorp Genetics (formerly Invitae), Labcorp
Classification: Uncertain significance for Bardet-Biedl syndrome. Last evaluated: 2022-02-04. Review status: criteria provided, single submitter. Criteria: Invitae Variant Classification Sherloc (09022015). Collection method: clinical testing. Allele origin: germline.
Comment: This sequence change replaces arginine, which is basic and polar, with glutamine, which is neutral and polar, at codon 540 of the TRIM32 protein (p.Arg540Gln). This variant is present in population databases (rs761503419, gnomAD 0.006%). This variant has not been reported in the literature in individuals affected with TRIM32-related conditions. ClinVar contains an entry for this variant (Variation ID: 569891). Algorithms developed to predict the effect of missense changes on protein structure and function (SIFT, PolyPhen-2, Align-GVGD) all suggest that this variant is likely to be tolerated. In summary, the available evidence is currently insufficient to determine the role of this variant in disease. Therefore, it has been classified as a Variant of Uncertain Significance.

Fulgent Genetics
Classification: Uncertain significance for Sarcotubular myopathy; Bardet-Biedl syndrome 11. Last evaluated: 2021-08-25. Review status: criteria provided, single submitter. Criteria: ACMG Guidelines, 2015. Collection method: clinical testing. Allele origin: unknown.